The following is an entry in ClinVar:

NM_194277.3(FRMD7):c.1402C>T (p.Arg468Cys)

Gene: FRMD7 (FERM domain containing 7; minus strand). Cytogenetic location: Xq26.2.
Variant type: single nucleotide variant.
Coding change: c.1402C>T on transcript NM_194277.3 (MANE Select); coding-DNA position 1402, C replaced by T.
Protein change: p.Arg468Cys; replaces arginine 468 with cysteine.
Molecular consequence: missense variant.
Genome position (GRCh38, 1-based): chrX:132,078,615, G>A on the plus strand (C>T on the coding strand, the complement: FRMD7 is on the minus strand). VCF-style: chrX-132078615-G-A. GRCh37 (hg19) VCF-style: chrX-131212643-G-A.
Other names: c.1357C>T, p.Arg453Cys (NM_001306193.2); short protein forms R468C, R453C.
Identifiers: ClinVar variation 938438 (VCV000938438.14), dbSNP rs765439361, ClinGen allele CA10518869.

ClinVar aggregate classification (germline): Uncertain significance. Review status: criteria provided, multiple submitters, no conflicts (2 of 4 stars). 4 submissions from 4 submitters: Uncertain significance (4). Last evaluated 2024-11-26.

Conditions:
Inborn genetic diseases. Identifiers: MedGen C0950123, MeSH D030342.

Allele frequency attached by ClinVar (database versions not stated): ExAC 0.00001; TOPMed 0.00002; gnomAD exomes 0.00002; gnomAD 0.00001.
gnomAD v4.1: 18 of 1,208,611 alleles (0.0015%); highest among the groups gnomAD compares: Admixed American, 0.0044%; no homozygotes.

Submissions (4):

Ambry Genetics
Classification: Uncertain significance for Inborn genetic diseases. Last evaluated: 2024-11-26. Review status: criteria provided, single submitter. Criteria: Ambry Variant Classification Scheme 2023. Collection method: clinical testing. Allele origin: germline.

Labcorp Genetics (formerly Invitae), Labcorp
Classification: Uncertain significance. Last evaluated: 2024-03-03. Review status: criteria provided, single submitter. Criteria: Invitae Variant Classification Sherloc (09022015). Collection method: clinical testing. Allele origin: germline.
Comment: This sequence change replaces arginine, which is basic and polar, with cysteine, which is neutral and slightly polar, at codon 468 of the FRMD7 protein (p.Arg468Cys). This variant is present in population databases (rs765439361, gnomAD 0.008%). This variant has not been reported in the literature in individuals affected with FRMD7-related conditions. ClinVar contains an entry for this variant (Variation ID: 938438). An algorithm developed to predict the effect of missense changes on protein structure and function (PolyPhen-2) suggests that this variant is likely to be tolerated. In summary, the available evidence is currently insufficient to determine the role of this variant in disease. Therefore, it has been classified as a Variant of Uncertain Significance.

Institute for Clinical Genetics, University Hospital TU Dresden, University Hospital TU Dresden
Classification: Uncertain significance. Last evaluated: 2021-11-03. Review status: criteria provided, single submitter. Criteria: ACMG Guidelines, 2015. Collection method: clinical testing. Allele origin: germline.

Blueprint Genetics
Classification: Uncertain significance. Last evaluated: 2021-02-25. Review status: criteria provided, single submitter. Criteria: ACMG Guidelines, 2015. Collection method: clinical testing. Allele origin: germline.